The following is an entry in ClinVar:

ClinVar aggregate classification (germline): Uncertain significance (1 of 4 stars; one submission).

Allele frequency attached by ClinVar (database versions not stated): ExAC 0.00004; gnomAD exomes 0.00004.
gnomAD v4.1: 26 of 1,606,520 alleles (0.0016%); highest among the groups gnomAD compares: South Asian, 0.029%; 1 homozygote.

Submission:

Labcorp Genetics (formerly Invitae), Labcorp
Classification: Uncertain significance. Last evaluated: 2022-10-13. Review status: criteria provided, single submitter. Criteria: Invitae Variant Classification Sherloc (09022015). Collection method: clinical testing. Allele origin: germline.
Comment: Algorithms developed to predict the effect of missense changes on protein structure and function are either unavailable or do not agree on the potential impact of this missense change (SIFT: "Deleterious"; PolyPhen-2: "Benign"; Align-GVGD: "Class C65"). In summary, the available evidence is currently insufficient to determine the role of this variant in disease. Therefore, it has been classified as a Variant of Uncertain Significance. ClinVar contains an entry for this variant (Variation ID: 1379477). This variant has not been reported in the literature in individuals affected with RIMS1-related conditions. This variant is present in population databases (rs761237560, gnomAD 0.03%). This sequence change replaces proline, which is neutral and non-polar, with arginine, which is basic and polar, at codon 705 of the RIMS1 protein (p.Pro705Arg).

NM_014989.7(RIMS1):c.2114C>G (p.Pro705Arg)

Gene: RIMS1 (regulating synaptic membrane exocytosis 1; plus strand). Cytogenetic location: 6q13.
Variant type: single nucleotide variant.
Coding change: c.2114C>G on transcript NM_014989.7 (MANE Select); coding-DNA position 2114, C replaced by G.
Protein change: p.Pro705Arg; replaces proline 705 with arginine.
Molecular consequence: missense variant.
Genome position (GRCh38, 1-based): chr6:72,245,847, C>G. VCF-style: chr6-72245847-C-G. GRCh37 (hg19) VCF-style: chr6-72955550-C-G.
Other names: c.536C>G, p.Pro179Arg (NM_001168407.2, NM_001168408.2, NM_001350414.2 and 37 more transcripts); c.293C>G, p.Pro98Arg (NM_001168409.2, NM_001350469.2, NM_001350461.2 and 6 more transcripts); c.491C>G, p.Pro164Arg (NM_001168410.2, NM_001350470.2, NM_001350472.2 and 2 more transcripts); c.467C>G, p.Pro156Arg (NM_001350430.2, NM_001350437.2, NM_001350450.2 and 6 more transcripts); short protein forms P164R, P156R, P179R, P705R, P98R.
Identifiers: ClinVar variation 1379477 (VCV001379477.6), dbSNP rs761237560, ClinGen allele CA3885895.